The following is an entry in ClinVar:

ClinVar aggregate classification (germline): Uncertain significance. Review status: criteria provided, multiple submitters, no conflicts (2 of 4 stars). 2 submissions from 2 submitters: Uncertain significance (2). Last evaluated 2025-02-21.

Conditions:
Cystic fibrosis (CF). Also called: MUCOVISCIDOSIS. Identifiers: Orphanet 586, MedGen C0010674, MONDO:0009061, OMIM 219700. Disease mechanism: loss of function.

Submissions (2):

Women's Health and Genetics/Laboratory Corporation of America, LabCorp
Classification: Uncertain significance. Last evaluated: 2025-02-21. Review status: criteria provided, single submitter. Criteria: LabCorp Variant Classification Summary - May 2015. Collection method: clinical testing. Allele origin: germline.
Comment: Variant summary: CFTR c.407T>G (p.Leu136Arg) results in a non-conservative amino acid change located in the ABC transporter transmembrane region (IPR036640 of the encoded protein sequence. Five of five in-silico tools predict a damaging effect of the variant on protein function. The variant was absent in 250780 control chromosomes. The available data on variant occurrences in the general population are insufficient to allow any conclusion about variant significance. c.407T>G has been reported in the literature in at least one individual affected with cystic fibrosis (e.g., Yildiz_2024). It has also been identified in one compound heterozygous individual with congenital unilateral absence of the vas deferens (Tan_2022). These data do not allow any conclusion about variant significance. To our knowledge, no experimental evidence demonstrating an impact on protein function has been reported. The following publications have been ascertained in the context of this evaluation (PMID: 34673937, 39031495). ClinVar contains an entry for this variant (Variation ID: 1029875). Based on the evidence outlined above, the variant was classified as uncertain significance.

Baylor Genetics
Classification: Uncertain significance for Cystic fibrosis. Last evaluated: 2020-08-13. Review status: criteria provided, single submitter. Criteria: ACMG Guidelines, 2015. Collection method: clinical testing. Allele origin: unknown. Affected: yes.
Comment: This variant was determined to be of uncertain significance according to ACMG Guidelines, 2015 [PMID:25741868].

Literature cited by the submitters: PubMed 39031495 (cited by Women's Health and Genetics/Laboratory Corporation of America, LabCorp); PubMed 34673937 (cited by Women's Health and Genetics/Laboratory Corporation of America, LabCorp).

NM_000492.4(CFTR):c.407T>G (p.Leu136Arg)

Gene: CFTR (CF transmembrane conductance regulator; plus strand). Cytogenetic location: 7q31.2.
Variant type: single nucleotide variant.
Coding change: c.407T>G on transcript NM_000492.4 (MANE Select); coding-DNA position 407, T replaced by G.
Protein change: p.Leu136Arg; replaces leucine 136 with arginine.
Molecular consequence: missense variant.
Genome position (GRCh38, 1-based): chr7:117,531,032, T>G. VCF-style: chr7-117531032-T-G. GRCh37 (hg19) VCF-style: chr7-117171086-T-G.
Other names: short protein forms L136R.
Identifiers: ClinVar variation 1029875 (VCV001029875.2), dbSNP rs1798854681, ClinGen allele CA368974690.